The following is an entry in ClinVar:

NM_001735.3(C5):c.4323C>T (p.Ala1441=)

Gene: C5 (complement C5; minus strand). Cytogenetic location: 9q33.2.
Variant type: single nucleotide variant.
Coding change: c.4323C>T on transcript NM_001735.3 (MANE Select); coding-DNA position 4323, C replaced by T.
Protein change: p.Ala1441=; no amino-acid change (alanine 1441 retained).
Molecular consequence: synonymous variant.
Genome position (GRCh38, 1-based): chr9:120,963,636, G>A on the plus strand (C>T on the coding strand, the complement: C5 is on the minus strand). VCF-style: chr9-120963636-G-A. GRCh37 (hg19) VCF-style: chr9-123725914-G-A.
Other names: c.4341C>T, p.Ala1447= (NM_001317163.2).
Identifiers: ClinVar variation 1373877 (VCV001373877.4), dbSNP rs773359384, ClinGen allele CA5217217.
Genomic context (GRCh38, chr9:120,963,636, plus strand): 5'-TAAAATAATTCAGAAAAGAAAATGAAGCATTCACAACACGATTTAAAAGAAAACACATAC[G>A]GCTTTTAAGTCTTCTTCATTTGCACTGATTCCAGTAGGCAAGGAGATGTCCATCACCGCA-3'
Protein context (NP_001726.2, residues 1431-1451): GISANEEDLK[Ala1441=]LVEGVDQLFT

ClinVar aggregate classification (germline): Uncertain significance. Review status: criteria provided, multiple submitters, no conflicts (2 of 4 stars). 2 submissions from 2 submitters: Uncertain significance (2). Last evaluated 2022-05-25.

Allele frequency attached by ClinVar (database versions not stated): gnomAD 0.00001 and 0.00002; TOPMed 0.00003; gnomAD exomes 0.00004 and 0.00006; ExAC 0.00008.
gnomAD v4.1: 57 of 1,600,360 alleles (0.0036%); highest among the groups gnomAD compares: Middle Eastern, 0.017%; 1 homozygote.

Submissions (2):

Labcorp Genetics (formerly Invitae), Labcorp
Classification: Uncertain significance. Last evaluated: 2022-05-25. Review status: criteria provided, single submitter. Criteria: Invitae Variant Classification Sherloc (09022015). Collection method: clinical testing. Allele origin: germline.
Comment: This sequence change affects codon 1441 of the C5 mRNA. It is a 'silent' change, meaning that it does not change the encoded amino acid sequence of the C5 protein. It affects a nucleotide within the consensus splice site. This variant is present in population databases (rs773359384, gnomAD 0.02%). This variant has not been reported in the literature in individuals affected with C5-related conditions. Algorithms developed to predict the effect of sequence changes on RNA splicing suggest that this variant is not likely to affect RNA splicing. In summary, the available evidence is currently insufficient to determine the role of this variant in disease. Therefore, it has been classified as a Variant of Uncertain Significance.

Breakthrough Genomics
Classification: Uncertain significance. Review status: criteria provided, single submitter. Criteria: ACMG Guidelines, 2015. Collection method: not provided. Allele origin: germline. Inheritance: Autosomal recessive inheritance. Affected: yes.